The following is an entry in ClinVar:

NM_013432.5(TONSL):c.3061A>G (p.Arg1021Gly)

Gene: TONSL (tonsoku like, DNA repair protein; minus strand). Cytogenetic location: 8q24.3.
Variant type: single nucleotide variant.
Coding change: c.3061A>G on transcript NM_013432.5 (MANE Select); coding-DNA position 3061, A replaced by G.
Protein change: p.Arg1021Gly; replaces arginine 1021 with glycine.
Molecular consequence: missense variant.
Genome position (GRCh38, 1-based): chr8:144,434,835, T>C on the plus strand (A>G on the coding strand, the complement: TONSL is on the minus strand). VCF-style: chr8-144434835-T-C. GRCh37 (hg19) VCF-style: chr8-145660218-T-C.
Other names: c.3061A>G (NM_013432.4); short protein forms R1021G.
Identifiers: ClinVar variation 1349210 (VCV001349210.7), dbSNP rs753804495, ClinGen allele CA4942612.
Genomic context (GRCh38, chr8:144,434,835, plus strand): 5'-ACCTCACCCAGAAACTGCAGCTCTCCTGGCCCTCACCTTGCCCCAGGCTCTGGCAGGCCC[T>C]GCGGTAGCGGTCAGTCAACGGGGGCAGGTCCCACGAAGTCACCTCAGCCAACACCTGGAA-3'
Protein context (NP_038460.4, residues 1011-1031): DLPPLTDRYR[Arg1021Gly]ACQSLGQGEH

ClinVar aggregate classification (germline): Uncertain significance. Review status: criteria provided, multiple submitters, no conflicts (2 of 4 stars). 2 submissions from 2 submitters: Uncertain significance (2). Last evaluated 2025-08-01.

Conditions:
Inborn genetic diseases. Identifiers: MedGen C0950123, MeSH D030342.

Allele frequency attached by ClinVar (database versions not stated): gnomAD 0.00001; gnomAD exomes 0.00002 and 0.00006; TOPMed 0.00004; ExAC 0.00005.
gnomAD v4.1: 29 of 1,613,382 alleles (0.0018%); highest among the groups gnomAD compares: East Asian, 0.056%; no homozygotes.

Submissions (2):

Labcorp Genetics (formerly Invitae), Labcorp
Classification: Uncertain significance. Last evaluated: 2025-08-01. Review status: criteria provided, single submitter. Criteria: Invitae Variant Classification Sherloc (09022015). Collection method: clinical testing. Allele origin: germline.
Comment: This sequence change replaces arginine, which is basic and polar, with glycine, which is neutral and non-polar, at codon 1021 of the TONSL protein (p.Arg1021Gly). This variant is present in population databases (rs753804495, gnomAD 0.07%). This variant has not been reported in the literature in individuals affected with TONSL-related conditions. ClinVar contains an entry for this variant (Variation ID: 1349210). Invitae Evidence Modeling of protein sequence and biophysical properties (such as structural, functional, and spatial information, amino acid conservation, physicochemical variation, residue mobility, and thermodynamic stability) indicates that this missense variant is expected to disrupt TONSL protein function with a positive predictive value of 80%. In summary, the available evidence is currently insufficient to determine the role of this variant in disease. Therefore, it has been classified as a Variant of Uncertain Significance.

Ambry Genetics
Classification: Uncertain significance for Inborn genetic diseases. Last evaluated: 2025-04-18. Review status: criteria provided, single submitter. Criteria: Ambry Variant Classification Scheme 2023. Collection method: clinical testing. Allele origin: germline.